The following is an entry in ClinVar:

ClinVar aggregate classification (germline): Uncertain significance (1 of 4 stars; one submission).

gnomAD v4.1: 44 of 1,614,114 alleles (0.0027%); highest among the groups gnomAD compares: African/African-American, 0.004%; no homozygotes.

Submission:

Labcorp Genetics (formerly Invitae), Labcorp
Classification: Uncertain significance. Last evaluated: 2025-07-24. Review status: criteria provided, single submitter. Criteria: Invitae Variant Classification Sherloc (09022015). Collection method: clinical testing. Allele origin: germline.
Comment: This sequence change replaces arginine, which is basic and polar, with glutamine, which is neutral and polar, at codon 1103 of the DLC1 protein (p.Arg1103Gln). This variant is present in population databases (rs762114408, gnomAD 0.006%). This variant has not been reported in the literature in individuals affected with DLC1-related conditions. An algorithm developed to predict the effect of missense changes on protein structure and function (PolyPhen-2) suggests that this variant is likely to be disruptive. In summary, the available evidence is currently insufficient to determine the role of this variant in disease. Therefore, it has been classified as a Variant of Uncertain Significance.

NM_182643.3(DLC1):c.3308G>A (p.Arg1103Gln)

Gene: DLC1 (DLC1 Rho GTPase activating protein; minus strand). Cytogenetic location: 8p22.
Variant type: single nucleotide variant.
Coding change: c.3308G>A on transcript NM_182643.3 (MANE Select); coding-DNA position 3308, G replaced by A.
Protein change: p.Arg1103Gln; replaces arginine 1103 with glutamine.
Molecular consequence: missense variant.
Genome position (GRCh38, 1-based): chr8:13,095,105, C>T on the plus strand (G>A on the coding strand, the complement: DLC1 is on the minus strand). VCF-style: chr8-13095105-C-T. GRCh37 (hg19) VCF-style: chr8-12952614-C-T.
Other names: c.1775G>A, p.Arg592Gln (NM_001164271.2, NM_001348082.2, NM_001348083.1 and 6 more transcripts); c.2099G>A, p.Arg700Gln (NM_001316668.2, NM_001413129.1); c.3308G>A, p.Arg1103Gln (NM_001348081.2, NM_001413124.1); c.2090G>A, p.Arg697Gln (NM_001413130.1); c.1748G>A, p.Arg583Gln (NM_001413131.1, NM_001413137.1); c.2234G>A, p.Arg745Gln (NM_001413132.1); c.1997G>A, p.Arg666Gln (NM_001413135.1, NM_001413136.1, NM_001413139.1 and 1 more transcripts); c.2132G>A, p.Arg711Gln (NM_001413140.1); short protein forms R583Q, R592Q, R666Q, R697Q, R711Q, R1103Q, R700Q, R745Q.
Identifiers: ClinVar variation 4706284 (VCV004706284.1).